The following is an entry in ClinVar:

NM_000642.3(AGL):c.1481G>A (p.Arg494His)

Gene: AGL (amylo-alpha-1,6-glucosidase and 4-alpha-glucanotransferase; plus strand). Cytogenetic location: 1p21.2.
Variant type: single nucleotide variant.
Coding change: c.1481G>A on transcript NM_000642.3 (MANE Select); coding-DNA position 1481, G replaced by A.
Protein change: p.Arg494His; replaces arginine 494 with histidine.
Molecular consequence: missense variant.
Genome position (GRCh38, 1-based): chr1:99,877,698, G>A. VCF-style: chr1-99877698-G-A. GRCh37 (hg19) VCF-style: chr1-100343254-G-A.
Other names: c.1481G>A, p.Arg494His (NM_000028.3, NM_000643.3, NM_000644.3 and 2 more transcripts); c.1433G>A, p.Arg478His (NM_000646.3); c.1280G>A, p.Arg427His (NM_001425327.1); c.1277G>A, p.Arg426His (NM_001425328.1, NM_001425329.1); c.1103G>A, p.Arg368His (NM_001425332.1); short protein forms R494H, R478H, R368H, R426H, R427H.
Identifiers: ClinVar variation 256723 (VCV000256723.77), dbSNP rs141043166, ClinGen allele CA966509.

ClinVar aggregate classification (germline): Benign/Likely benign. Review status: criteria provided, multiple submitters, no conflicts (2 of 4 stars). 14 submissions from 14 submitters: Benign (4); Likely benign (6). 4 of the submissions do not count toward it. Last evaluated 2026-08-01.

Conditions:
AGL-related disorder. Also called: AGL-related condition.
Glycogen storage disease type III (GSD3). Also called: FORBES DISEASE; Cori disease. Identifiers: Orphanet 366, MedGen C0017922, MONDO:0009291, OMIM 232400.

Allele frequency attached by ClinVar (database versions not stated): 1000 Genomes Project 30x 0.00265; 1000 Genomes Project 0.00300; TOPMed 0.00512; ESP Exome Variant Server 0.00615; gnomAD 0.00743.
gnomAD v4.1: 13,363 of 1,613,946 alleles (0.83%); highest among the groups gnomAD compares: Non-Finnish European, 0.89%; 95 homozygotes.

Submissions (14):

CeGaT Center for Human Genetics Tuebingen
Classification: Likely benign. Last evaluated: 2026-08-01. Review status: criteria provided, single submitter. Criteria: CeGaT Center For Human Genetics Tuebingen Variant Classification Criteria Version 2. Collection method: clinical testing. Allele origin: germline. Affected: yes. Observed: 29 variant alleles.
Comment: AGL: BS2

Labcorp Genetics (formerly Invitae), Labcorp
Classification: Benign for Glycogen storage disease type III. Last evaluated: 2026-02-04. Review status: criteria provided, single submitter. Criteria: Invitae Variant Classification Sherloc (09022015). Collection method: clinical testing. Allele origin: germline.

ARUP Laboratories, Molecular Genetics and Genomics, ARUP Laboratories
Classification: Benign. Last evaluated: 2025-05-29. Review status: criteria provided, single submitter. Criteria: ARUP Molecular Germline Variant Investigation Process 2024. Collection method: clinical testing. Allele origin: germline.

Blueprint Genetics
Classification: Likely benign. Last evaluated: 2024-11-25. Review status: criteria provided, single submitter. Criteria: ACMG Guidelines, 2015. Collection method: clinical testing. Allele origin: germline.

Genome-Nilou Lab
Classification: Likely benign for Glycogen storage disease type III. Last evaluated: 2021-07-15. Review status: criteria provided, single submitter. Criteria: ACMG Guidelines, 2015. Collection method: clinical testing. Allele origin: germline. Affected: no.

Illumina Laboratory Services, Illumina
Classification: Likely benign for Glycogen storage disease type III. Last evaluated: 2018-03-06. Review status: criteria provided, single submitter. Criteria: ICSL Variant Classification Criteria 13 December 2019. Collection method: clinical testing. Allele origin: germline.
Comment: This variant was observed in the ICSL laboratory as part of a predisposition screen in an ostensibly healthy population. It had not been previously curated by ICSL or reported in the Human Gene Mutation Database (HGMD: prior to June 1st, 2018), and was therefore a candidate for classification through an automated scoring system. Utilizing variant allele frequency, disease prevalence and penetrance estimates, and inheritance mode, an automated score was calculated to assess if this variant is too frequent to cause the disease. Based on the score and internal cut-off values, a variant classified as likely benign is not then subjected to further curation. The score for this variant resulted in a classification of likely benign for this disease.

Center for Pediatric Genomic Medicine, Children's Mercy Hospital and Clinics
Classification: Likely benign. Last evaluated: 2017-08-29. Review status: criteria provided, single submitter. Criteria: ACMG Guidelines, 2015. Collection method: clinical testing. Allele origin: germline.

Eurofins Ntd Llc (ga)
Classification: Benign. Last evaluated: 2016-08-23. Review status: criteria provided, single submitter. Criteria: EGL Classification Definitions 2015. Collection method: clinical testing. Allele origin: germline. Observed: 4 variant alleles, 4 heterozygotes.

GeneDx
Classification: Benign. Last evaluated: 2016-04-25. Review status: criteria provided, single submitter. Criteria: GeneDx Variant Classification (06012015). Collection method: clinical testing. Allele origin: germline. Affected: yes.
Comment: This variant is considered likely benign or benign based on one or more of the following criteria: it is a conservative change, it occurs at a poorly conserved position in the protein, it is predicted to be benign by multiple in silico algorithms, and/or has population frequency not consistent with disease.

Laboratory for Molecular Medicine, Mass General Brigham Personalized Medicine
Classification: Likely benign. Last evaluated: 2016-03-28. Review status: criteria provided, single submitter. Criteria: LMM Criteria. Collection method: clinical testing. Allele origin: germline.
Comment: Variant identified in a genome or exome case(s) and assessed due to predicted null impact of the variant or pathogenic assertions in the literature or databases. Disclaimer: This variant has not undergone full assessment. Frequency 1.8%.

PreventionGenetics, part of Exact Sciences
Classification: Benign for AGL-related condition. Last evaluated: 2022-02-23. Review status: no assertion criteria provided. Collection method: clinical testing. Allele origin: germline. Not counted in ClinVar's aggregate classification.
Comment: This variant is classified as benign based on ACMG/AMP sequence variant interpretation guidelines (Richards et al. 2015 PMID: 25741868, with internal and published modifications).

Natera, Inc.
Classification: Benign for Glycogen storage disease type III. Last evaluated: 2019-12-31. Review status: no assertion criteria provided. Collection method: clinical testing. Allele origin: germline. Not counted in ClinVar's aggregate classification.

Counsyl
Classification: Likely benign for Glycogen storage disease type III. Last evaluated: 2017-12-28. Review status: no assertion criteria provided. Collection method: clinical testing. Allele origin: unknown. Not counted in ClinVar's aggregate classification.

Mayo Clinic Laboratories, Mayo Clinic
Classification: Likely benign. Last evaluated: 2017-11-22. Review status: no assertion criteria provided. Collection method: clinical testing. Allele origin: unknown. Not counted in ClinVar's aggregate classification.